The following is an entry in ClinVar:

NM_001270508.2(TNFAIP3):c.1069C>T (p.Gln357Ter)

Gene: TNFAIP3 (TNF alpha induced protein 3; plus strand). Cytogenetic location: 6q23.3.
Variant type: single nucleotide variant.
Coding change: c.1069C>T on transcript NM_001270508.2 (MANE Select); coding-DNA position 1069, C replaced by T.
Protein change: p.Gln357Ter; replaces glutamine 357 with a stop codon.
Molecular consequence: nonsense.
Genome position (GRCh38, 1-based): chr6:137,878,514, C>T. VCF-style: chr6-137878514-C-T. GRCh37 (hg19) VCF-style: chr6-138199651-C-T.
Other names: c.1069C>T, p.Gln357Ter (NM_001270507.2, NM_006290.4); short protein forms Q357*.
Identifiers: ClinVar variation 1996272 (VCV001996272.4), dbSNP rs2114496684, ClinGen allele CA365788413.

ClinVar aggregate classification (germline): Pathogenic (1 of 4 stars; one submission).

Submission:

Labcorp Genetics (formerly Invitae), Labcorp
Classification: Pathogenic. Last evaluated: 2022-05-19. Review status: criteria provided, single submitter. Criteria: Invitae Variant Classification Sherloc (09022015). Collection method: clinical testing. Allele origin: germline.
Comment: This sequence change creates a premature translational stop signal (p.Gln357*) in the TNFAIP3 gene. It is expected to result in an absent or disrupted protein product. Loss-of-function variants in TNFAIP3 are known to be pathogenic (PMID: 26642243). This variant is not present in population databases (gnomAD no frequency). This variant has not been reported in the literature in individuals affected with TNFAIP3-related conditions. Algorithms developed to predict the effect of sequence changes on RNA splicing suggest that this variant may create or strengthen a splice site. For these reasons, this variant has been classified as Pathogenic.

Literature cited by the submitters: PubMed 26642243.